The following is an entry in ClinVar:

NM_001128228.3(TPRN):c.1633C>T (p.Arg545Cys)

Gene: TPRN (taperin; minus strand). Cytogenetic location: 9q34.3.
Variant type: single nucleotide variant.
Coding change: c.1633C>T on transcript NM_001128228.3 (MANE Select); coding-DNA position 1633, C replaced by T.
Protein change: p.Arg545Cys; replaces arginine 545 with cysteine.
Molecular consequence: missense variant.
Genome position (GRCh38, 1-based): chr9:137,199,079, G>A on the plus strand (C>T on the coding strand, the complement: TPRN is on the minus strand). VCF-style: chr9-137199079-G-A. GRCh37 (hg19) VCF-style: chr9-140093531-G-A.
Other names: p.Arg545Cys; short protein forms R545C.
Identifiers: ClinVar variation 3181620 (VCV003181620.5), dbSNP rs139569284, ClinGen allele CA5362693.
Genomic context (GRCh38, chr9:137,199,079, plus strand): 5'-AGGACTTCTGCAGGGCCAGGTAGCCGCCAATCACCTCGATCTCATGCACGGTGGGGTAGC[G>A]CTTCTTCAACGTGGGCCCCAGGAGGCAACTAGCCTCCTCCTCCTCGGCCTCCCGTGGCCG-3'
Protein context (NP_001121700.2, residues 535-555): SCLLGPTLKK[Arg545Cys]YPTVHEIEVI

ClinVar aggregate classification (germline): Uncertain significance. Review status: criteria provided, multiple submitters, no conflicts (2 of 4 stars). 4 submissions from 4 submitters: Uncertain significance (4). Last evaluated 2024-12-17.

Conditions:
Inborn genetic diseases. Identifiers: MedGen C0950123, MeSH D030342.

Allele frequency attached by ClinVar (database versions not stated): gnomAD exomes 0.00004; ExAC 0.00013; 1000 Genomes Project 0.00040; gnomAD 0.00042; 1000 Genomes Project 30x 0.00047; TOPMed 0.00048; ESP Exome Variant Server 0.00054.
gnomAD v4.1: 118 of 1,613,254 alleles (0.0073%); highest among the groups gnomAD compares: African/African-American, 0.13%; 1 homozygote.

Submissions (4):

GeneDx
Classification: Uncertain significance. Last evaluated: 2024-12-17. Review status: criteria provided, single submitter. Criteria: GeneDx Variant Classification Process June 2021. Collection method: clinical testing. Allele origin: germline. Affected: yes.
Comment: In silico analysis supports that this missense variant has a deleterious effect on protein structure/function; Has not been previously published as pathogenic or benign to our knowledge

Mayo Clinic Laboratories, Mayo Clinic
Classification: Uncertain significance. Last evaluated: 2024-07-24. Review status: criteria provided, single submitter. Criteria: ACMG Guidelines, 2015. Collection method: clinical testing. Allele origin: germline. Observed: 1 variant allele.
Comment: BS1_supporting, PP3

Ambry Genetics
Classification: Uncertain significance for Inborn genetic diseases. Last evaluated: 2022-06-21. Review status: criteria provided, single submitter. Criteria: Ambry Variant Classification Scheme 2023. Collection method: clinical testing. Allele origin: germline.

Blueprint Genetics
Classification: Uncertain significance. Last evaluated: 2021-06-10. Review status: criteria provided, single submitter. Criteria: ACMG Guidelines, 2015. Collection method: clinical testing. Allele origin: germline.